The following is an entry in ClinVar:

NM_002693.3(POLG):c.955A>G (p.Lys319Glu)

Gene: POLG (DNA polymerase gamma, catalytic subunit; minus strand). Cytogenetic location: 15q26.1.
Variant type: single nucleotide variant.
Coding change: c.955A>G on transcript NM_002693.3 (MANE Select); coding-DNA position 955, A replaced by G.
Protein change: p.Lys319Glu; replaces lysine 319 with glutamic acid.
Molecular consequence: missense variant.
Genome position (GRCh38, 1-based): chr15:89,329,011, T>C on the plus strand (A>G on the coding strand, the complement: POLG is on the minus strand). VCF-style: chr15-89329011-T-C. GRCh37 (hg19) VCF-style: chr15-89872242-T-C.
Other names: c.955A>G, p.Lys319Glu (NM_001126131.2); short protein forms K319E.
Identifiers: ClinVar variation 619304 (VCV000619304.8), dbSNP rs766465907, ClinGen allele CA7724993.

ClinVar aggregate classification (germline): Conflicting classifications of pathogenicity. Review status: criteria provided, conflicting classifications (1 of 4 stars). 4 submissions from 4 submitters: Likely pathogenic (1); Uncertain significance (3). Last evaluated 2026-07-08.

Conditions:
Progressive sclerosing poliodystrophy (MTDPS4A). Also called: Mitochondrial DNA Depletion Syndrome 4A; ALPERS PROGRESSIVE INFANTILE POLIODYSTROPHY; Alpers Syndrome; NEURONAL DEGENERATION OF CHILDHOOD WITH LIVER DISEASE, PROGRESSIVE; Alpers-Huttenlocher Syndrome (AHS); ALPERS DIFFUSE DEGENERATION OF CEREBRAL GRAY MATTER WITH HEPATIC CIRRHOSIS. Identifiers: Orphanet 726, MedGen C0205710, MONDO:0008758, OMIM 203700.
POLG-related disorder. Also called: POLG-Related Spectrum Disorders; POLG-related condition; POLG-Related Disorders. Identifiers: MedGen C4763519.

Allele frequency attached by ClinVar (database versions not stated): ExAC 0.00001; gnomAD 0.00001; gnomAD exomes 0.00001; TOPMed 0.00001.
gnomAD v4.1: 13 of 1,613,416 alleles (0.00081%); highest among the groups gnomAD compares: Non-Finnish European, 0.00093%; no homozygotes.

Submissions (4):

PreventionGenetics, part of Exact Sciences
Classification: Uncertain significance for POLG-related condition. Last evaluated: 2026-07-08. Review status: criteria provided, single submitter. Criteria: ACMG Guidelines, 2015. Collection method: clinical testing. Allele origin: germline.
Comment: The POLG c.955A>G variant is predicted to result in the amino acid substitution p.Lys319Glu. This variant has been reported in the compound heterozygous state in two individuals with POLG-related disease (Tang et al. 2011. PubMed ID: 21880868; eTable 3 in Davis et al. 2022. PubMed ID: 35641312). This variant is reported in 0.0024% of alleles in individuals of European (Non-Finnish) descent in gnomAD. This variant has conflicting interpretations in ClinVar ranging from likely pathogenic to uncertain (ID: 619304). Although we suspect that this variant may be pathogenic, at this time, the clinical significance of this variant is uncertain due to the absence of conclusive functional and genetic evidence.

Labcorp Genetics (formerly Invitae), Labcorp
Classification: Uncertain significance for Progressive sclerosing poliodystrophy. Last evaluated: 2024-06-21. Review status: criteria provided, single submitter. Criteria: Invitae Variant Classification Sherloc (09022015). Collection method: clinical testing. Allele origin: germline.
Comment: This sequence change replaces lysine, which is basic and polar, with glutamic acid, which is acidic and polar, at codon 319 of the POLG protein (p.Lys319Glu). This variant is present in population databases (rs766465907, gnomAD 0.002%). This missense change has been observed in individuals with autosomal recessive POLG-related conditions (PMID: 21880868, 35641312). ClinVar contains an entry for this variant (Variation ID: 619304). Advanced modeling of protein sequence and biophysical properties (such as structural, functional, and spatial information, amino acid conservation, physicochemical variation, residue mobility, and thermodynamic stability) has been performed at Invitae for this missense variant, however the output from this modeling did not meet the statistical confidence thresholds required to predict the impact of this variant on POLG protein function. In summary, the available evidence is currently insufficient to determine the role of this variant in disease. Therefore, it has been classified as a Variant of Uncertain Significance.

Blueprint Genetics
Classification: Uncertain significance. Last evaluated: 2024-05-03. Review status: criteria provided, single submitter. Criteria: ACMG Guidelines, 2015. Collection method: clinical testing. Allele origin: germline.

Wong Mito Lab, Molecular and Human Genetics, Baylor College of Medicine
Classification: Likely pathogenic for Progressive sclerosing poliodystrophy. Last evaluated: 2018-10-01. Review status: criteria provided, single submitter. Criteria: ACMG Guidelines, 2015. Collection method: clinical testing. Allele origin: germline.
Comment: The NM_002693.2:c.955A>G (NP_002684.1:p.Lys319Glu) [GRCH38: NC_000015.10:g.89329011T>C] variant in POLG gene is interpretated to be a Likely Pathogenic based on ACMG guidelines (PMID: 25741868). This variant has been reported in PMID:21880868 . This variant meets the following evidence codes reported in the ACMG-guideline. PM2:This variant is absent in key population databases. PM3:Detected in trans with a pathogenic variant for Mitochondrial DNA depletion syndrome 4A (Alpers type) which is a recessive disorder. PP1:This variant is co-segregated with Mitochondrial DNA depletion syndrome 4A (Alpers type) in multiple affected family members. PP2:This is a missense variant in POLG with a low rate of benign and high rate of pathogenic missense variations. PP3:Computational evidence/predictors indicate the variant has deleterious effect on POLG structure, function, or protein-protein interaction. PP4:Patient's phenotype or family history is highly specific for POLG. Based on the evidence criteria codes applied, the variant is suggested to be Likely Pathogenic.

Literature cited by the submitters: PubMed 21880868 (cited by Labcorp Genetics (formerly Invitae), Labcorp and Wong Mito Lab, Molecular and Human Genetics, Baylor College of Medicine); PubMed 35641312 (cited by Labcorp Genetics (formerly Invitae), Labcorp).